The following is an entry in ClinVar:

ClinVar aggregate classification (germline): Pathogenic/Likely pathogenic. Review status: criteria provided, multiple submitters, no conflicts (2 of 4 stars). 2 submissions from 2 submitters: Pathogenic (1); Likely pathogenic (1). Last evaluated 2026-05-02.

Conditions:
Ehlers-Danlos syndrome, dermatosparaxis type. Also called: Ehlers-Danlos syndrome, type VII, autosomal recessive; EDS VIIC; Dermatosparaxis. Identifiers: Orphanet 1901, MedGen C2700425, MONDO:0009161, OMIM 225410.

Submissions (2):

Myriad Genetics, Inc.
Classification: Pathogenic for Ehlers-Danlos syndrome, dermatosparaxis type. Last evaluated: 2026-05-02. Review status: criteria provided, single submitter. Criteria: Myriad Autosomal Dominant, Autosomal Recessive and X-Linked Classification Criteria (2023). Collection method: clinical testing. Allele origin: unknown.
Comment: NM_014244.4(ADAMTS2):c.2917G>T(E973*) is expected to be pathogenic in the context of Ehlers-Danlos syndrome, ADAMTS2-related. This variant is predicted to lead to an abnormal or absent protein product due to the creation of a premature termination codon in ADAMTS2, a gene where loss-of-function variants are known to be pathogenic. Please note: this variant was assessed in the context of healthy population screening.

Natera, Inc.
Classification: Likely pathogenic for Ehlers-Danlos syndrome type VIIC. Last evaluated: 2024-11-21. Review status: criteria provided, single submitter. Criteria: Natera Variant Classification Schema (03/2026). Collection method: clinical testing. Allele origin: germline.
Comment: The c.2917G>T variant in ADAMTS2 is a nonsense variant predicted to introduce a stop codon at amino acid 973. This variant is expected to result in nonsense mediated decay, truncation, or a dysfunctional protein product. This variant is rare in the general population with a frequency below the threshold expected for the associated phenotype(s). Given the available evidence, this variant is classified as Likely Pathogenic.

NM_014244.5(ADAMTS2):c.2917G>T (p.Glu973Ter)

Gene: ADAMTS2 (ADAM metallopeptidase with thrombospondin type 1 motif 2; minus strand). Cytogenetic location: 5q35.3.
Variant type: single nucleotide variant.
Coding change: c.2917G>T on transcript NM_014244.5 (MANE Select); coding-DNA position 2917, G replaced by T.
Protein change: p.Glu973Ter; replaces glutamic acid 973 with a stop codon.
Molecular consequence: nonsense.
Genome position (GRCh38, 1-based): chr5:179,125,014, C>A on the plus strand (G>T on the coding strand, the complement: ADAMTS2 is on the minus strand). VCF-style: chr5-179125014-C-A. GRCh37 (hg19) VCF-style: chr5-178552015-C-A.
Other names: short protein forms E973*.
Identifiers: ClinVar variation 4815616 (VCV004815616.2).
Genomic context (GRCh38, chr5:179,125,014, plus strand): 5'-GGATCGGGGGATTGCGTACCTGGGACCAGGGCCCGGCTCGCCAACGACCAGGGCAGAGCT[C>A]GCGGCTGCAGGCCCGGCGGCTCTCGGGCCGGGCGTCATTGCAGTGCTTGGCGTGCACGGA-3'